The following is an entry in ClinVar:

NM_000702.4(ATP1A2):c.956T>A (p.Val319Asp)

Gene: ATP1A2 (ATPase Na+/K+ transporting subunit alpha 2; plus strand). Cytogenetic location: 1q23.2.
Variant type: single nucleotide variant.
Coding change: c.956T>A on transcript NM_000702.4 (MANE Select); coding-DNA position 956, T replaced by A.
Protein change: p.Val319Asp; replaces valine 319 with aspartic acid.
Molecular consequence: missense variant.
Genome position (GRCh38, 1-based): chr1:160,127,759, T>A. VCF-style: chr1-160127759-T-A. GRCh37 (hg19) VCF-style: chr1-160097549-T-A.
Other names: short protein forms V319D.
Identifiers: ClinVar variation 2135050 (VCV002135050.4), dbSNP rs769126252, ClinGen allele CA1194311.

ClinVar aggregate classification (germline): Uncertain significance (1 of 4 stars; one submission).

Conditions:
Familial hemiplegic migraine. Identifiers: MedGen C0338484, MONDO:0000700.

Allele frequency attached by ClinVar (database versions not stated): ExAC 0.00001; gnomAD 0.00001; TOPMed 0.00001.
gnomAD v4.1: 1 of 1,613,936 alleles (0.000062%); highest among the groups gnomAD compares: African/African-American, 0.0013%; no homozygotes.

Submission:

Labcorp Genetics (formerly Invitae), Labcorp
Classification: Uncertain significance for Familial hemiplegic migraine. Last evaluated: 2022-05-07. Review status: criteria provided, single submitter. Criteria: Invitae Variant Classification Sherloc (09022015). Collection method: clinical testing. Allele origin: germline.
Comment: This sequence change replaces valine, which is neutral and non-polar, with aspartic acid, which is acidic and polar, at codon 319 of the ATP1A2 protein (p.Val319Asp). This variant is present in population databases (rs769126252, gnomAD 0.007%). This variant has not been reported in the literature in individuals affected with ATP1A2-related conditions. Advanced modeling of protein sequence and biophysical properties (such as structural, functional, and spatial information, amino acid conservation, physicochemical variation, residue mobility, and thermodynamic stability) performed at Invitae indicates that this missense variant is expected to disrupt ATP1A2 protein function. In summary, the available evidence is currently insufficient to determine the role of this variant in disease. Therefore, it has been classified as a Variant of Uncertain Significance.